The following is an entry in ClinVar:

NM_000298.6(PKLR):c.1552C>A (p.Arg518Ser)

Gene: PKLR (pyruvate kinase L/R; minus strand). Cytogenetic location: 1q22.
Variant type: single nucleotide variant.
Coding change: c.1552C>A on transcript NM_000298.6 (MANE Select); coding-DNA position 1552, C replaced by A.
Protein change: p.Arg518Ser; replaces arginine 518 with serine.
Molecular consequence: missense variant.
Genome position (GRCh38, 1-based): chr1:155,291,822, G>T on the plus strand (C>A on the coding strand, the complement: PKLR is on the minus strand). VCF-style: chr1-155291822-G-T. GRCh37 (hg19) VCF-style: chr1-155261613-G-T.
Other names: c.1459C>A, p.Arg487Ser (NM_181871.4); c.1552C>A, p.Arg518Ser (LRG_1136t1); short protein forms R518S, R487S.
Identifiers: ClinVar variation 597309 (VCV000597309.17), dbSNP rs139002629, ClinGen allele CA342750782.

ClinVar aggregate classification (germline): Conflicting classifications of pathogenicity. Review status: criteria provided, conflicting classifications (1 of 4 stars). 4 submissions from 4 submitters: Likely pathogenic (3); Uncertain significance (1). Last evaluated 2024-12-23.

gnomAD v4.1: 1 of 1,614,130 alleles (0.000062%); highest among the groups gnomAD compares: Admixed American, 0.0017%; no homozygotes.

Submissions (4):

Revvity Omics, Revvity
Classification: Likely pathogenic. Last evaluated: 2024-12-23. Review status: criteria provided, single submitter. Criteria: ACMG Guidelines, 2015. Collection method: clinical testing. Allele origin: germline.

Labcorp Genetics (formerly Invitae), Labcorp
Classification: Likely pathogenic. Last evaluated: 2023-09-12. Review status: criteria provided, single submitter. Criteria: Invitae Variant Classification Sherloc (09022015). Collection method: clinical testing. Allele origin: germline.
Comment: ClinVar contains an entry for this variant (Variation ID: 597309). In summary, the currently available evidence indicates that the variant is pathogenic, but additional data are needed to prove that conclusively. Therefore, this variant has been classified as Likely Pathogenic. Algorithms developed to predict the effect of sequence changes on RNA splicing suggest that this variant may create or strengthen a splice site. Advanced modeling of protein sequence and biophysical properties (such as structural, functional, and spatial information, amino acid conservation, physicochemical variation, residue mobility, and thermodynamic stability) performed at Invitae indicates that this missense variant is not expected to disrupt PKLR protein function. This missense change has been observed in individual(s) with pyruvate kinase deficiency (PMID: 9160692, 17360088). This variant is present in population databases (no rsID available, gnomAD 0.003%). This sequence change replaces arginine, which is basic and polar, with serine, which is neutral and polar, at codon 518 of the PKLR protein (p.Arg518Ser).

Mayo Clinic Laboratories, Mayo Clinic
Classification: Likely pathogenic. Last evaluated: 2021-07-23. Review status: criteria provided, single submitter. Criteria: ACMG Guidelines, 2015. Collection method: clinical testing. Allele origin: germline.
Comment: PP3, PM1, PM2, PM3

Eurofins Ntd Llc (ga)
Classification: Uncertain significance. Last evaluated: 2018-05-23. Review status: criteria provided, single submitter. Criteria: EGL ClinVar v180209 classification definitions. Collection method: clinical testing. Allele origin: germline. Observed: 1 variant allele, 1 heterozygote.

Literature cited by the submitters: PubMed 9160692 (cited by Labcorp Genetics (formerly Invitae), Labcorp); PubMed 17360088 (cited by Labcorp Genetics (formerly Invitae), Labcorp).